The following is an entry in ClinVar:

NM_002047.4(GARS1):c.1944C>G (p.Asp648Glu)

Gene: GARS1 (glycyl-tRNA synthetase 1; plus strand). Cytogenetic location: 7p14.3.
Variant type: single nucleotide variant.
Coding change: c.1944C>G on transcript NM_002047.4 (MANE Select); coding-DNA position 1944, C replaced by G.
Protein change: p.Asp648Glu; replaces aspartic acid 648 with glutamic acid.
Molecular consequence: missense variant.
Genome position (GRCh38, 1-based): chr7:30,632,287, C>G. VCF-style: chr7-30632287-C-G. GRCh37 (hg19) VCF-style: chr7-30671903-C-G.
Other names: c.1782C>G, p.Asp594Glu (NM_001316772.1); short protein forms D594E, D648E.
Identifiers: ClinVar variation 5009397 (VCV005009397.1).
Genomic context (GRCh38, chr7:30,632,287, plus strand): 5'-ACTTTGTTTATTTTGGATAGCGGAAGCCCTGACCAGGCATGGAGTATCTCACAAAGTAGA[C>G]GATTCCTCTGGGTCAATCGGAAGGCGCTATGCCAGGACTGATGAGATTGGCGTGGCTTTT-3'
Protein context (NP_002038.2, residues 638-658): LTRHGVSHKV[Asp648Glu]DSSGSIGRRY

ClinVar aggregate classification (germline): Uncertain significance (1 of 4 stars; one submission).

Submission:

GeneDx
Classification: Uncertain significance. Last evaluated: 2026-03-19. Review status: criteria provided, single submitter. Criteria: GeneDx Variant Classification Process June 2021. Collection method: clinical testing. Allele origin: germline.
Comment: Not observed at significant frequency in large population cohorts (gnomAD); In silico analysis supports that this missense variant has a deleterious effect on protein structure/function; Has not been previously published as pathogenic or benign to our knowledge